The following is an entry in ClinVar:

NM_203447.4(DOCK8):c.4946C>T (p.Ala1649Val)

Gene: DOCK8 (dedicator of cytokinesis 8; plus strand). Cytogenetic location: 9p24.3.
Variant type: single nucleotide variant.
Coding change: c.4946C>T on transcript NM_203447.4 (MANE Select); coding-DNA position 4946, C replaced by T.
Protein change: p.Ala1649Val; replaces alanine 1649 with valine.
Molecular consequence: missense variant.
Genome position (GRCh38, 1-based): chr9:434,842, C>T. VCF-style: chr9-434842-C-T. GRCh37 (hg19) VCF-style: chr9-434842-C-T.
Other names: c.4646C>T, p.Ala1549Val (NM_001190458.2); c.4742C>T, p.Ala1581Val (NM_001193536.2); short protein forms A1549V, A1581V, A1649V.
Identifiers: ClinVar variation 1496555 (VCV001496555.3), dbSNP rs752085039, ClinGen allele CA187807797.

ClinVar aggregate classification (germline): Uncertain significance (1 of 4 stars; one submission).

Conditions:
Combined immunodeficiency due to DOCK8 deficiency (HIES2). Also called: HIES autosomal recessive; DOCK8 Deficiency; Hyper-IgE recurrent infection syndrome, autosomal recessive; HYPER-IgE SYNDROME 2, AUTOSOMAL RECESSIVE, WITH RECURRENT INFECTIONS; HYPER-IgE RECURRENT INFECTION SYNDROME 2, AUTOSOMAL RECESSIVE. Identifiers: Orphanet 217390, MedGen C4722305, MONDO:0009478, OMIM 243700.

Allele frequency attached by ClinVar (database versions not stated): TOPMed 0.00001.

Submission:

Labcorp Genetics (formerly Invitae), Labcorp
Classification: Uncertain significance for Combined immunodeficiency due to DOCK8 deficiency. Last evaluated: 2022-08-09. Review status: criteria provided, single submitter. Criteria: Invitae Variant Classification Sherloc (09022015). Collection method: clinical testing. Allele origin: germline.
Comment: This sequence change replaces alanine, which is neutral and non-polar, with valine, which is neutral and non-polar, at codon 1649 of the DOCK8 protein (p.Ala1649Val). This variant is not present in population databases (gnomAD no frequency). This variant has not been reported in the literature in individuals affected with DOCK8-related conditions. ClinVar contains an entry for this variant (Variation ID: 1496555). Algorithms developed to predict the effect of missense changes on protein structure and function are either unavailable or do not agree on the potential impact of this missense change (SIFT: "Deleterious"; PolyPhen-2: "Possibly Damaging"; Align-GVGD: "Class C0"). Algorithms developed to predict the effect of sequence changes on RNA splicing suggest that this variant may create or strengthen a splice site. In summary, the available evidence is currently insufficient to determine the role of this variant in disease. Therefore, it has been classified as a Variant of Uncertain Significance.